The following is an entry in ClinVar:

ClinVar aggregate classification (germline): Pathogenic (1 of 4 stars; one submission).

Conditions:
Fanconi anemia (FA). Also called: Fanconi's anemia. Identifiers: Orphanet 84, MedGen C0015625, MeSH D005199, MONDO:0019391.

Submission:

Labcorp Genetics (formerly Invitae), Labcorp
Classification: Pathogenic for Fanconi anemia. Last evaluated: 2022-12-26. Review status: criteria provided, single submitter. Criteria: Invitae Variant Classification Sherloc (09022015). Collection method: clinical testing. Allele origin: germline.
Comment: For these reasons, this variant has been classified as Pathogenic. This variant has not been reported in the literature in individuals affected with FANCD2-related conditions. This variant is not present in population databases (gnomAD no frequency). This sequence change creates a premature translational stop signal (p.Gln552*) in the FANCD2 gene. It is expected to result in an absent or disrupted protein product. Loss-of-function variants in FANCD2 are known to be pathogenic (PMID: 17436244).

Literature cited by the submitters: PubMed 17436244.

NM_001018115.3(FANCD2):c.1654C>T (p.Gln552Ter)

Genes: FANCD2 (FA complementation group D2; plus strand), LOC107303338 (3p25 FANCD2 Alu-mediated recombination region; plus strand). Cytogenetic location: 3p25.3.
Variant type: single nucleotide variant.
Coding change: c.1654C>T on transcript NM_001018115.3 (MANE Select); coding-DNA position 1654, C replaced by T.
Protein change: p.Gln552Ter; replaces glutamine 552 with a stop codon.
Molecular consequence: nonsense. On other transcripts: intron variant (1).
Genome position (GRCh38, 1-based): chr3:10,052,495, C>T. VCF-style: chr3-10052495-C-T. GRCh37 (hg19) VCF-style: chr3-10094179-C-T.
Other names: c.1654C>T, p.Gln552Ter (NM_001319984.2, NM_001374254.1, NM_033084.6); c.1545+2990C>T (NM_001374253.1); short protein forms Q552*.
Identifiers: ClinVar variation 2824285 (VCV002824285.3), dbSNP rs2469933167, ClinGen allele CA351740833.